The following is an entry in ClinVar:

NM_001267550.2(TTN):c.103662A>C (p.Glu34554Asp)

Genes: TTN (titin; minus strand), TTN-AS1 (TTN antisense RNA 1; plus strand). Cytogenetic location: 2q31.2.
Variant type: single nucleotide variant.
Coding change: c.103662A>C on transcript NM_001267550.2 (MANE Select); coding-DNA position 103662, A replaced by C.
Protein change: p.Glu34554Asp; replaces glutamic acid 34554 with aspartic acid.
Molecular consequence: missense variant.
Genome position (GRCh38, 1-based): chr2:178,532,953, T>G on the plus strand (A>C on the coding strand, the complement: TTN is on the minus strand). VCF-style: chr2-178532953-T-G. GRCh37 (hg19) VCF-style: chr2-179397680-T-G.
Other names: c.98739A>C, p.Glu32913Asp (NM_001256850.1); c.76467A>C, p.Glu25489Asp (NM_003319.4); c.95958A>C, p.Glu31986Asp (NM_133378.4); c.76842A>C, p.Glu25614Asp (NM_133432.3); c.77043A>C, p.Glu25681Asp (NM_133437.4); short protein forms E25489D, E25614D, E31986D, E34554D, E32913D, E25681D.
Identifiers: ClinVar variation 2092390 (VCV002092390.2), dbSNP rs752417639, ClinGen allele CA60956968.

ClinVar aggregate classification (germline): Uncertain significance (1 of 4 stars; one submission).

Conditions:
Autosomal recessive limb-girdle muscular dystrophy type 2J (LGMDR10). Also called: Limb-girdle muscular dystrophy, type 2J; MUSCULAR DYSTROPHY, LIMB-GIRDLE, AUTOSOMAL RECESSIVE 10. Identifiers: Orphanet 140922, MedGen C1837342, MONDO:0012127, OMIM 608807.
Dilated cardiomyopathy 1G (CMD1G). Identifiers: Orphanet 154, MedGen C1858763, MONDO:0011400, OMIM 604145.

gnomAD v4.1: 36 of 1,613,834 alleles (0.0022%); highest among the groups gnomAD compares: Non-Finnish European, 0.0031%; no homozygotes.

Submission:

Labcorp Genetics (formerly Invitae), Labcorp
Classification: Uncertain significance for Dilated cardiomyopathy 1G; Autosomal recessive limb-girdle muscular dystrophy type 2J. Last evaluated: 2023-07-19. Review status: criteria provided, single submitter. Criteria: Invitae Variant Classification Sherloc (09022015). Collection method: clinical testing. Allele origin: germline.
Comment: In summary, the available evidence is currently insufficient to determine the role of this variant in disease. Therefore, it has been classified as a Variant of Uncertain Significance. This variant is located in the M band of TTN (PMID: 25589632). Variants in this region may be relevant for neuromuscular disorders, but have not been definitively shown to cause cardiomyopathy (PMID: 23975875). Experimental studies and prediction algorithms are not available or were not evaluated, and the functional significance of this variant is currently unknown. ClinVar contains an entry for this variant (Variation ID: 2092390). This variant has not been reported in the literature in individuals affected with TTN-related conditions. This variant is present in population databases (rs752417639, gnomAD 0.0009%). This sequence change replaces glutamic acid, which is acidic and polar, with aspartic acid, which is acidic and polar, at codon 34554 of the TTN protein (p.Glu34554Asp).

Literature cited by the submitters: PubMed 25589632; PubMed 23975875.